The following is an entry in ClinVar:

ClinVar aggregate classification (germline): Uncertain significance (1 of 4 stars; one submission).

Conditions:
CHARGE syndrome (CHARGE). Also called: Hittner Hirsch Kreh syndrome; CHARGE ASSOCIATION--COLOBOMA, HEART ANOMALY, CHOANAL ATRESIA, RETARDATION, GENITAL AND EAR ANOMALIES; Coloboma, heart anomaly, choanal atresia, retardation, genital and ear anomalies; CHARGE association; Hall-Hittner syndrome. Identifiers: Orphanet 138, MedGen C0265354, MONDO:0008965.

Submission:

Labcorp Genetics (formerly Invitae), Labcorp
Classification: Uncertain significance for CHARGE syndrome. Last evaluated: 2024-01-11. Review status: criteria provided, single submitter. Criteria: Invitae Variant Classification Sherloc (09022015). Collection method: clinical testing. Allele origin: unknown.
Comment: This variant results in a copy number gain of the genomic region encompassing exon(s) 1 of the SEMA3E gene. This region includes the initiator codon of the gene. This copy number gain extends beyond the assayed region for this gene and therefore may encompass additional genes. As the precise location of this event is unknown, it may be in tandem or it may be located elsewhere in the genome. This variant has not been reported in the literature in individuals affected with SEMA3E-related conditions. Experimental studies and prediction algorithms are not available or were not evaluated, and the functional significance of this variant is currently unknown. In summary, the available evidence is currently insufficient to determine the role of this variant in disease. Therefore, it has been classified as a Variant of Uncertain Significance.

NC_000007.13:g.(?_83277724)_(83614813_?)dup

Genes: SEMA3A (semaphorin 3A; minus strand), SEMA3E (semaphorin 3E; minus strand). Cytogenetic location: 7q21.11.
Variant type: Duplication.
Identifiers: ClinVar variation 3245717 (VCV003245717.1).